The following is an entry in ClinVar:

NM_001042492.3(NF1):c.2630T>A (p.Met877Lys)

Gene: NF1 (neurofibromin 1; plus strand). Cytogenetic location: 17q11.2.
Variant type: single nucleotide variant.
Coding change: c.2630T>A on transcript NM_001042492.3 (MANE Select); coding-DNA position 2630, T replaced by A.
Protein change: p.Met877Lys; replaces methionine 877 with lysine.
Molecular consequence: missense variant.
Genome position (GRCh38, 1-based): chr17:31,229,245, T>A. VCF-style: chr17-31229245-T-A. GRCh37 (hg19) VCF-style: chr17-29556263-T-A.
Other names: c.2630T>A, p.Met877Lys (NM_000267.4); short protein forms M877K.
Identifiers: ClinVar variation 1404208 (VCV001404208.6), dbSNP rs2151429296, ClinGen allele CA398984549.

ClinVar aggregate classification (germline): Uncertain significance (1 of 4 stars; one submission).

Conditions:
Neurofibromatosis, type 1 (NF1). Also called: NEUROFIBROMATOSIS, TYPE I, SOMATIC; Peripheral type neurofibromatosis; Neurofibromatosis, type I; VON RECKLINGHAUSEN DISEASE. Identifiers: Orphanet 636, MedGen C0027831, MONDO:0018975, OMIM 162200. Disease mechanism: loss of function.

Submission:

Labcorp Genetics (formerly Invitae), Labcorp
Classification: Uncertain significance for Neurofibromatosis, type 1. Last evaluated: 2021-09-07. Review status: criteria provided, single submitter. Criteria: Invitae Variant Classification Sherloc (09022015). Collection method: clinical testing. Allele origin: germline.
Comment: This variant has not been reported in the literature in individuals affected with NF1-related conditions. This sequence change replaces methionine with lysine at codon 877 of the NF1 protein (p.Met877Lys). The methionine residue is moderately conserved and there is a moderate physicochemical difference between methionine and lysine. This variant is not present in population databases (ExAC no frequency). Advanced modeling of protein sequence and biophysical properties (such as structural, functional, and spatial information, amino acid conservation, physicochemical variation, residue mobility, and thermodynamic stability) performed at Invitae indicates that this missense variant is not expected to disrupt NF1 protein function. In summary, the available evidence is currently insufficient to determine the role of this variant in disease. Therefore, it has been classified as a Variant of Uncertain Significance.